The following is an entry in ClinVar:

ClinVar aggregate classification (germline): Uncertain significance (1 of 4 stars; one submission).

Allele frequency attached by ClinVar (database versions not stated): TOPMed below 0.00001; gnomAD exomes below 0.00001.
gnomAD v4.1: 3 of 1,609,450 alleles (0.00019%); highest among the groups gnomAD compares: Non-Finnish European, 0.00025%; no homozygotes.

Submission:

Labcorp Genetics (formerly Invitae), Labcorp
Classification: Uncertain significance. Last evaluated: 2025-03-17. Review status: criteria provided, single submitter. Criteria: Invitae Variant Classification Sherloc (09022015). Collection method: clinical testing. Allele origin: germline.
Comment: This sequence change replaces proline, which is neutral and non-polar, with leucine, which is neutral and non-polar, at codon 184 of the PEX11B protein (p.Pro184Leu). This variant is not present in population databases (gnomAD no frequency). This variant has not been reported in the literature in individuals affected with PEX11B-related conditions. ClinVar contains an entry for this variant (Variation ID: 1363802). An algorithm developed to predict the effect of missense changes on protein structure and function (PolyPhen-2) suggests that this variant is likely to be tolerated. In summary, the available evidence is currently insufficient to determine the role of this variant in disease. Therefore, it has been classified as a Variant of Uncertain Significance.

NM_003846.3(PEX11B):c.551C>T (p.Pro184Leu)

Gene: PEX11B (peroxisomal biogenesis factor 11 beta; minus strand). Cytogenetic location: 1q21.1.
Variant type: single nucleotide variant.
Coding change: c.551C>T on transcript NM_003846.3 (MANE Select); coding-DNA position 551, C replaced by T.
Protein change: p.Pro184Leu; replaces proline 184 with leucine.
Molecular consequence: missense variant. On other transcripts: non-coding transcript variant (3).
Genome position (GRCh38, 1-based): chr1:145,912,390, G>A on the plus strand (C>T on the coding strand, the complement: PEX11B is on the minus strand). VCF-style: chr1-145912390-G-A. GRCh37 (hg19) VCF-style: chr1-145522690-C-T.
Other names: c.509C>T, p.Pro170Leu (NM_001184795.1); short protein forms P184L, P170L.
Identifiers: ClinVar variation 1363802 (VCV001363802.8), dbSNP rs1657846029, ClinGen allele CA342121083.